The following is an entry in ClinVar:

ClinVar aggregate classification (germline): Uncertain significance (1 of 4 stars; one submission).

Submission:

CeGaT Center for Human Genetics Tuebingen
Classification: Uncertain significance. Last evaluated: 2024-09-01. Review status: criteria provided, single submitter. Criteria: CeGaT Center For Human Genetics Tuebingen Variant Classification Criteria Version 2. Collection method: clinical testing. Allele origin: germline. Affected: yes. Observed: 1 variant allele.
Comment: SLC2A1: PM2, PP3

NM_006516.4(SLC2A1):c.1271A>G (p.Tyr424Cys)

Gene: SLC2A1 (solute carrier family 2 member 1; minus strand). Cytogenetic location: 1p34.2.
Variant type: single nucleotide variant.
Coding change: c.1271A>G on transcript NM_006516.4 (MANE Select); coding-DNA position 1271, A replaced by G.
Protein change: p.Tyr424Cys; replaces tyrosine 424 with cysteine.
Molecular consequence: missense variant.
Genome position (GRCh38, 1-based): chr1:42,927,612, T>C on the plus strand (A>G on the coding strand, the complement: SLC2A1 is on the minus strand). VCF-style: chr1-42927612-T-C. GRCh37 (hg19) VCF-style: chr1-43393283-T-C.
Other names: short protein forms Y424C.
Identifiers: ClinVar variation 3389676 (VCV003389676.14).
Genomic context (GRCh38, chr1:42,927,612, plus strand): 5'-AGCACTGTGGGGTCATGCGTGCGGGTGAGTATAGAGACAGTGGGGGTTCTCACCTCCACA[T>C]ACTGGAAGCACATGCCCACAATGAAATTTGAGGTCCAGTTGGAGAAGCCTGCAACGGCAA-3'
Protein context (NP_006507.2, residues 414-434): SNFIVGMCFQ[Tyr424Cys]VEQLCGPYVF